The following is an entry in ClinVar:

NM_000350.3(ABCA4):c.370C>G (p.Arg124Gly)

Gene: ABCA4 (ATP binding cassette subfamily A member 4; minus strand). Cytogenetic location: 1p22.1.
Variant type: single nucleotide variant.
Coding change: c.370C>G on transcript NM_000350.3 (MANE Select); coding-DNA position 370, C replaced by G.
Protein change: p.Arg124Gly; replaces arginine 124 with glycine.
Molecular consequence: missense variant.
Genome position (GRCh38, 1-based): chr1:94,108,649, G>C on the plus strand (C>G on the coding strand, the complement: ABCA4 is on the minus strand). VCF-style: chr1-94108649-G-C. GRCh37 (hg19) VCF-style: chr1-94574205-G-C.
Other names: c.370C>G, p.Arg124Gly (NM_001425324.1); short protein forms R124G.
Identifiers: ClinVar variation 1988602 (VCV001988602.4), dbSNP rs138359497, ClinGen allele CA341293104.

ClinVar aggregate classification (germline): Likely pathogenic (1 of 4 stars; one submission).

gnomAD v4.1: 4 of 1,613,816 alleles (0.00025%); highest among the groups gnomAD compares: Non-Finnish European, 0.00034%; no homozygotes.

Submission:

Labcorp Genetics (formerly Invitae), Labcorp
Classification: Likely pathogenic. Last evaluated: 2023-11-09. Review status: criteria provided, single submitter. Criteria: Invitae Variant Classification Sherloc (09022015). Collection method: clinical testing. Allele origin: germline.
Comment: This sequence change replaces arginine, which is basic and polar, with glycine, which is neutral and non-polar, at codon 124 of the ABCA4 protein (p.Arg124Gly). This variant is not present in population databases (gnomAD no frequency). This missense change has been observed in individual(s) with Stargardt disease (Invitae). In at least one individual the data is consistent with being in trans (on the opposite chromosome) from a pathogenic variant. ClinVar contains an entry for this variant (Variation ID: 1988602). Advanced modeling of protein sequence and biophysical properties (such as structural, functional, and spatial information, amino acid conservation, physicochemical variation, residue mobility, and thermodynamic stability) has been performed at Invitae for this missense variant, however the output from this modeling did not meet the statistical confidence thresholds required to predict the impact of this variant on ABCA4 protein function. This variant disrupts the p.Arg124 amino acid residue in ABCA4. Other variant(s) that disrupt this residue have been observed in individuals with ABCA4-related conditions (Invitae), which suggests that this may be a clinically significant amino acid residue. In summary, the currently available evidence indicates that the variant is pathogenic, but additional data are needed to prove that conclusively. Therefore, this variant has been classified as Likely Pathogenic.